The following is an entry in ClinVar:

NM_000548.5(TSC2):c.3236C>T (p.Ser1079Leu)

Gene: TSC2 (TSC complex subunit 2; plus strand). Cytogenetic location: 16p13.3.
Variant type: single nucleotide variant.
Coding change: c.3236C>T on transcript NM_000548.5 (MANE Select); coding-DNA position 3236, C replaced by T.
Protein change: p.Ser1079Leu; replaces serine 1079 with leucine.
Molecular consequence: missense variant.
Genome position (GRCh38, 1-based): chr16:2,079,380, C>T. VCF-style: chr16-2079380-C-T. GRCh37 (hg19) VCF-style: chr16-2129381-C-T.
Other names: c.3236C>T (NM_000548.3); c.3104C>T, p.Ser1035Leu (NM_001077183.3, NM_001370404.1); c.3236C>T, p.Ser1079Leu (NM_001114382.3); c.2996C>T, p.Ser999Leu (NM_001318827.2); c.2960C>T, p.Ser987Leu (NM_001318829.2); c.2504C>T, p.Ser835Leu (NM_001318831.2); c.3137C>T, p.Ser1046Leu (NM_001318832.2); c.3107C>T, p.Ser1036Leu (NM_001363528.2, NM_001370405.1, NM_021055.3); short protein forms S1035L, S1046L, S1036L, S1079L, S987L, S999L, S835L.
Identifiers: ClinVar variation 1408372 (VCV001408372.12), dbSNP rs397515087, ClinGen allele CA394286048.
Genomic context (GRCh38, chr16:2,079,380, plus strand): 5'-CCTGGCTGGTTGGGAACAAGCTTGTCACTGTGACGACAAGCGTGGGAACCGGGACCCGGT[C>T]GTTACTAGGCCTGGACTCGGGGGAGCTGCAGTCCGGCCCGGAGTCGAGGTGACTGCACCT-3'
Protein context (NP_000539.2, residues 1069-1089): VTTSVGTGTR[Ser1079Leu]LLGLDSGELQ

ClinVar aggregate classification (germline): Uncertain significance. Review status: criteria provided, multiple submitters, no conflicts (2 of 4 stars). 5 submissions from 5 submitters: Uncertain significance (5). Last evaluated 2025-06-13.

Conditions:
Hereditary cancer-predisposing syndrome. Also called: Neoplastic Syndromes, Hereditary; Hereditary neoplastic syndrome; Hereditary Cancer Syndrome; Tumor predisposition. Identifiers: Orphanet 140162, MedGen C0027672, MeSH D009386, MONDO:0015356.
Tuberous sclerosis syndrome (TSC). Also called: Tuberous Sclerosis Complex; Tuberous sclerosis. Identifiers: Orphanet 805, MedGen C0041341, MONDO:0001734.
Isolated focal cortical dysplasia type II (FCORD2). Also called: Focal cortical dysplasia type II; CORTICAL DYSPLASIA OF TAYLOR. Identifiers: Orphanet 268994, MedGen C1846385, MONDO:0011818, OMIM 607341, HP:0032051.
Tuberous sclerosis 2 (TSC2). Identifiers: Orphanet 805, MedGen C1860707, MONDO:0013199, OMIM 613254.

Allele frequency attached by ClinVar (database versions not stated): gnomAD exomes below 0.00001; TOPMed below 0.00001.
gnomAD v4.1: 5 of 1,612,872 alleles (0.00031%); highest among the groups gnomAD compares: Non-Finnish European, 0.00034%; no homozygotes.

Submissions (5):

Color Diagnostics, LLC DBA Color Health
Classification: Uncertain significance for Tuberous sclerosis syndrome. Last evaluated: 2025-06-13. Review status: criteria provided, single submitter. Criteria: ACMG Guidelines, 2015. Collection method: clinical testing. Allele origin: germline.
Comment: This missense variant replaces serine with leucine at codon 1079 of the TSC2 protein. Computational prediction suggests that this variant may not impact protein structure and function. To our knowledge, functional studies have not been reported for this variant. This variant has not been reported in individuals affected with TSC2-related disorders in the literature. This variant has not been identified in the general population by the Genome Aggregation Database (gnomAD). The available evidence is insufficient to determine the role of this variant in disease conclusively. Therefore, this variant is classified as a Variant of Uncertain Significance.

Labcorp Genetics (formerly Invitae), Labcorp
Classification: Uncertain significance for Tuberous sclerosis 2. Last evaluated: 2024-09-24. Review status: criteria provided, single submitter. Criteria: Invitae Variant Classification Sherloc (09022015). Collection method: clinical testing. Allele origin: germline.
Comment: This sequence change replaces serine, which is neutral and polar, with leucine, which is neutral and non-polar, at codon 1079 of the TSC2 protein (p.Ser1079Leu). This variant is not present in population databases (gnomAD no frequency). This variant has not been reported in the literature in individuals affected with TSC2-related conditions. ClinVar contains an entry for this variant (Variation ID: 1408372). Invitae Evidence Modeling of protein sequence and biophysical properties (such as structural, functional, and spatial information, amino acid conservation, physicochemical variation, residue mobility, and thermodynamic stability) indicates that this missense variant is not expected to disrupt TSC2 protein function with a negative predictive value of 95%. In summary, the available evidence is currently insufficient to determine the role of this variant in disease. Therefore, it has been classified as a Variant of Uncertain Significance.

Ambry Genetics
Classification: Uncertain significance for Hereditary cancer-predisposing syndrome. Last evaluated: 2023-08-08. Review status: criteria provided, single submitter. Criteria: Ambry Variant Classification Scheme 2023. Collection method: clinical testing. Allele origin: germline.
Comment: The p.S1079L variant (also known as c.3236C>T), located in coding exon 27 of the TSC2 gene, results from a C to T substitution at nucleotide position 3236. The serine at codon 1079 is replaced by leucine, an amino acid with dissimilar properties. This amino acid position is well conserved in available vertebrate species. In addition, this alteration is predicted to be deleterious by in silico analysis. Since supporting evidence is limited at this time, the clinical significance of this alteration remains unclear.

Baylor Genetics
Classification: Uncertain significance for Isolated focal cortical dysplasia type II. Last evaluated: 2023-05-23. Review status: criteria provided, single submitter. Criteria: ACMG Guidelines, 2015. Collection method: clinical testing. Allele origin: unknown.

All of Us Research Program, National Institutes of Health
Classification: Uncertain significance for Tuberous sclerosis syndrome. Last evaluated: 2023-02-24. Review status: criteria provided, single submitter. Criteria: ACMG Guidelines, 2015. Collection method: clinical testing. Allele origin: germline. Inheritance: Autosomal dominant inheritance. Observed: 1 variant allele, 1 heterozygote.
Comment: This missense variant replaces serine with leucine at codon 1079 of the TSC2 protein. Computational prediction suggests that this variant may not impact protein structure and function (internally defined REVEL score threshold <= 0.5, PMID: 27666373). To our knowledge, functional studies have not been reported for this variant. This variant has not been reported in individuals affected with TSC2-related disorders in the literature. This variant has not been identified in the general population by the Genome Aggregation Database (gnomAD). The available evidence is insufficient to determine the role of this variant in disease conclusively. Therefore, this variant is classified as a Variant of Uncertain Significance.

This study involves interpretation of variants in research participants for the purpose of population health screening. Participant phenotype was not available at the time of variant classification. Additional details can be found in publication PMID: 35346344, PMCID: PMC8962531